The following is an entry in ClinVar:

ClinVar aggregate classification (germline): Uncertain significance (1 of 4 stars; one submission).

Conditions:
Brugada syndrome 4 (BRGDA4). Identifiers: Orphanet 130, MedGen C2678477, MONDO:0012743, OMIM 611876.

gnomAD v4.1: 1 of 1,614,140 alleles (0.000062%); highest among the groups gnomAD compares: Non-Finnish European, 0.000085%; no homozygotes.

Submission:

Labcorp Genetics (formerly Invitae), Labcorp
Classification: Uncertain significance for Brugada syndrome 4. Last evaluated: 2020-05-13. Review status: criteria provided, single submitter. Criteria: Invitae Variant Classification Sherloc (09022015). Collection method: clinical testing. Allele origin: germline.
Comment: In summary, the available evidence is currently insufficient to determine the role of this variant in disease. Therefore, it has been classified as a Variant of Uncertain Significance. Algorithms developed to predict the effect of missense changes on protein structure and function are either unavailable or do not agree on the potential impact of this missense change (SIFT: "Deleterious"; PolyPhen-2: "Possibly Damaging"; Align-GVGD: "Class C0"). This variant has not been reported in the literature in individuals with CACNB2-related conditions. This variant is not present in population databases (ExAC no frequency). This sequence change replaces serine with isoleucine at codon 72 of the CACNB2 protein (p.Ser72Ile). The serine residue is highly conserved and there is a large physicochemical difference between serine and isoleucine.

NM_201596.3(CACNB2):c.377G>T (p.Ser126Ile)

Gene: CACNB2 (calcium voltage-gated channel auxiliary subunit beta 2; plus strand). Cytogenetic location: 10p12.31.
Variant type: single nucleotide variant.
Coding change: c.377G>T on transcript NM_201596.3 (MANE Select); coding-DNA position 377, G replaced by T.
Protein change: p.Ser126Ile; replaces serine 126 with isoleucine.
Molecular consequence: missense variant.
Genome position (GRCh38, 1-based): chr10:18,498,398, G>T. VCF-style: chr10-18498398-G-T. GRCh37 (hg19) VCF-style: chr10-18787327-G-T.
Other names: c.212G>T, p.Ser71Ile (NM_000724.4, NM_001330060.2); c.293G>T, p.Ser98Ile (NM_001167945.2, NM_201571.4, NM_201572.4); c.233G>T, p.Ser78Ile (NM_201570.3); c.215G>T, p.Ser72Ile (NM_201590.3); c.377G>T, p.Ser126Ile (NM_201593.3, NM_201597.3); short protein forms S126I, S71I, S72I, S78I, S98I.
Identifiers: ClinVar variation 1059761 (VCV001059761.9), dbSNP rs553297982, ClinGen allele CA376056741.